The following is an entry in ClinVar:

NM_001252024.2(TRPM1):c.2671G>A (p.Val891Met)

Genes: TRPM1 (transient receptor potential cation channel subfamily M member 1; minus strand), TRPM1-AS1 (TRPM1 antisense RNA 1; plus strand). Cytogenetic location: 15q13.3.
Variant type: single nucleotide variant.
Coding change: c.2671G>A on transcript NM_001252024.2 (MANE Select); coding-DNA position 2671, G replaced by A.
Protein change: p.Val891Met; replaces valine 891 with methionine.
Molecular consequence: missense variant.
Genome position (GRCh38, 1-based): chr15:31,035,575, C>T on the plus strand (G>A on the coding strand, the complement: TRPM1 is on the minus strand). VCF-style: chr15-31035575-C-T. GRCh37 (hg19) VCF-style: chr15-31327778-C-T.
Other names: c.2722G>A, p.Val908Met (NM_001252020.2); c.2605G>A, p.Val869Met (NM_002420.6); short protein forms V869M, V891M, V908M.
Identifiers: ClinVar variation 4873292 (VCV004873292.2).

ClinVar aggregate classification (germline): Uncertain significance (1 of 4 stars; one submission).

gnomAD v4.1: 8 of 1,614,130 alleles (0.0005%); highest among the groups gnomAD compares: African/African-American, 0.0027%; no homozygotes.

Submission:

CeGaT Center for Human Genetics Tuebingen
Classification: Uncertain significance. Last evaluated: 2026-04-01. Review status: criteria provided, single submitter. Criteria: CeGaT Center For Human Genetics Tuebingen Variant Classification Criteria Version 2. Collection method: clinical testing. Allele origin: germline. Affected: yes. Observed: 1 variant allele.
Comment: TRPM1: PM2